The following is an entry in ClinVar:

NM_005689.4(ABCB6):c.827G>C (p.Arg276Pro)

Gene: ABCB6 (ATP binding cassette subfamily B member 6 (LAN blood group); minus strand). Cytogenetic location: 2q35.
Variant type: single nucleotide variant.
Coding change: c.827G>C on transcript NM_005689.4 (MANE Select); coding-DNA position 827, G replaced by C.
Protein change: p.Arg276Pro; replaces arginine 276 with proline.
Molecular consequence: missense variant.
Genome position (GRCh38, 1-based): chr2:219,216,693, C>G on the plus strand (G>C on the coding strand, the complement: ABCB6 is on the minus strand). VCF-style: chr2-219216693-C-G. GRCh37 (hg19) VCF-style: chr2-220081415-C-G.
Other names: p.Arg276Pro; c.689G>C, p.Arg230Pro (NM_001349828.2); short protein forms R230P, R276P.
Identifiers: ClinVar variation 3379422 (VCV003379422.1).
Genomic context (GRCh38, chr2:219,216,693, plus strand): 5'-TGGTGCTCCTCCTGCTCACCAATGTTCCTATAGAATATAGGCACCAACACATTGAGTGCC[C>G]GTTCCAAACCCATGAGCCCCAGGCAGATGAGCACCACCAGCTGCAGAGCTGGACTCCCTC-3'
Protein context (NP_005680.1, residues 266-286): LICLGLMGLE[Arg276Pro]ALNVLVPIFY

ClinVar aggregate classification (germline): Uncertain significance (1 of 4 stars; one submission).

gnomAD v4.1: 2 of 1,583,934 alleles (0.00013%); highest among the groups gnomAD compares: Non-Finnish European, 0.00017%; no homozygotes.

Submission:

Mayo Clinic Laboratories, Mayo Clinic
Classification: Uncertain significance. Last evaluated: 2024-04-08. Review status: criteria provided, single submitter. Criteria: ACMG Guidelines, 2015. Collection method: clinical testing. Allele origin: germline. Observed: 1 variant allele.
Comment: PP3, PM2_moderate